The following is an entry in ClinVar:

ClinVar aggregate classification (germline): Uncertain significance (1 of 4 stars; one submission).

Conditions:
Epilepsy, familial focal, with variable foci 3 (FFEVF3). Identifiers: MedGen C4310708, MONDO:0014925, OMIM 617118.

Allele frequency attached by ClinVar (database versions not stated): gnomAD exomes 0.00001.
gnomAD v4.1: 8 of 1,613,124 alleles (0.0005%); highest among the groups gnomAD compares: East Asian, 0.0045%; no homozygotes.

Submission:

Labcorp Genetics (formerly Invitae), Labcorp
Classification: Uncertain significance for Epilepsy, familial focal, with variable foci 3. Last evaluated: 2024-01-25. Review status: criteria provided, single submitter. Criteria: Invitae Variant Classification Sherloc (09022015). Collection method: clinical testing. Allele origin: germline.
Comment: This sequence change replaces arginine, which is basic and polar, with cysteine, which is neutral and slightly polar, at codon 521 of the NPRL3 protein (p.Arg521Cys). This variant is present in population databases (no rsID available, gnomAD 0.01%). This variant has not been reported in the literature in individuals affected with NPRL3-related conditions. ClinVar contains an entry for this variant (Variation ID: 1413842). Advanced modeling of protein sequence and biophysical properties (such as structural, functional, and spatial information, amino acid conservation, physicochemical variation, residue mobility, and thermodynamic stability) performed at Invitae indicates that this missense variant is not expected to disrupt NPRL3 protein function with a negative predictive value of 80%. In summary, the available evidence is currently insufficient to determine the role of this variant in disease. Therefore, it has been classified as a Variant of Uncertain Significance.

NM_001077350.3(NPRL3):c.1561C>T (p.Arg521Cys)

Gene: NPRL3 (NPR3 like, GATOR1 complex subunit; minus strand). Cytogenetic location: 16p13.3.
Variant type: single nucleotide variant.
Coding change: c.1561C>T on transcript NM_001077350.3 (MANE Select); coding-DNA position 1561, C replaced by T.
Protein change: p.Arg521Cys; replaces arginine 521 with cysteine.
Molecular consequence: missense variant.
Genome position (GRCh38, 1-based): chr16:86,854, G>A on the plus strand (C>T on the coding strand, the complement: NPRL3 is on the minus strand). VCF-style: chr16-86854-G-A. GRCh37 (hg19) VCF-style: chr16-136853-G-A.
Other names: c.1024C>T, p.Arg342Cys (NM_001039476.3); c.1327C>T, p.Arg443Cys (NM_001243247.2); c.1486C>T, p.Arg496Cys (NM_001243248.2, NM_001243249.2); short protein forms R342C, R521C, R496C, R443C.
Identifiers: ClinVar variation 1413842 (VCV001413842.5), dbSNP rs1305476231, ClinGen allele CA394045642.
Genomic context (GRCh38, chr16:86,854, plus strand): 5'-GCAGCTGGGAGCGCCGCGTGTTCTCGTTGTACATAATCTCCTCCAGGTGGTGGCGGCCGC[G>A]GAAGTAGTGAAGGAGCCTGGAAGGGATGGGTGGGTGTGAGCCCAACCTGACACCAGCCCC-3'
Protein context (NP_001070818.1, residues 511-531): RMFARLLHYF[Arg521Cys]GRHHLEEIMY